The following is an entry in ClinVar:

ClinVar aggregate classification (germline): Uncertain significance. Review status: criteria provided, multiple submitters, no conflicts (2 of 4 stars). 3 submissions from 3 submitters: Uncertain significance (3). Last evaluated 2025-09-30.

Conditions:
Age related macular degeneration 9. Identifiers: MedGen C1969651, MONDO:0012659, OMIM 611378.
Atypical hemolytic-uremic syndrome with C3 anomaly. Also called: AHUS, SUSCEPTIBILITY TO, 5. Identifiers: Orphanet 2134, MedGen C2752037, MONDO:0013043, OMIM 612925.
Complement component 3 deficiency. Identifiers: Orphanet 280133, MedGen C3151071, MONDO:0013417, OMIM 613779.
Atypical hemolytic-uremic syndrome. Identifiers: Orphanet 2134, MedGen C2931788, MONDO:0016244.
C3 glomerulonephritis. Also called: C3 GLOMERULOPATHY 3; Nephropathy due to CFHR5 Deficiency. Identifiers: Orphanet 329931, MedGen C4055342, MONDO:0013892, OMIM 614809.

Allele frequency attached by ClinVar (database versions not stated): gnomAD exomes below 0.00001; ExAC 0.00002; gnomAD 0.00002.

Submissions (3):

Genomenon, Inc
Classification: Uncertain significance for Complement component 3 deficiency; C3 glomerulonephritis; Atypical hemolytic-uremic syndrome. Last evaluated: 2025-09-30. Review status: criteria provided, single submitter. Criteria: Genomenon Sequence Variant Interpretation Standards. Collection method: curation. Allele origin: germline. Affected: no.
Comment: C3 p.Asp178Gly (c.533A>G) is a missense variant that changes the amino acid at residue 178 from Aspartic acid to Glycine. This variant has been reported in the published literature (PMID:30890598). It is absent or not present at a significant frequency in gnomAD. In silico models agree that this variant is not damaging. In conclusion, we classify C3 p.Asp178Gly (c.533A>G) as a variant of unknown significance.

Fulgent Genetics
Classification: Uncertain significance for Age related macular degeneration 9; Atypical hemolytic-uremic syndrome with C3 anomaly; Complement component 3 deficiency. Last evaluated: 2024-05-26. Review status: criteria provided, single submitter. Criteria: ACMG Guidelines, 2015. Collection method: clinical testing. Allele origin: germline.

Labcorp Genetics (formerly Invitae), Labcorp
Classification: Uncertain significance. Last evaluated: 2022-03-26. Review status: criteria provided, single submitter. Criteria: Invitae Variant Classification Sherloc (09022015). Collection method: clinical testing. Allele origin: germline.
Comment: This variant is present in population databases (rs751671562, gnomAD 0.002%). This sequence change replaces aspartic acid, which is acidic and polar, with glycine, which is neutral and non-polar, at codon 178 of the C3 protein (p.Asp178Gly). This variant has not been reported in the literature in individuals affected with C3-related conditions. In summary, the available evidence is currently insufficient to determine the role of this variant in disease. Therefore, it has been classified as a Variant of Uncertain Significance. Algorithms developed to predict the effect of missense changes on protein structure and function output the following: SIFT: "Tolerated"; PolyPhen-2: "Benign"; Align-GVGD: "Class C0". The glycine amino acid residue is found in multiple mammalian species, which suggests that this missense change does not adversely affect protein function.

Literature cited by the submitters: PubMed 30890598 (cited by Genomenon, Inc).

NM_000064.4(C3):c.533A>G (p.Asp178Gly)

Gene: C3 (complement C3; minus strand). Cytogenetic location: 19p13.3.
Variant type: single nucleotide variant.
Coding change: c.533A>G on transcript NM_000064.4 (MANE Select); coding-DNA position 533, A replaced by G.
Protein change: p.Asp178Gly; replaces aspartic acid 178 with glycine.
Molecular consequence: missense variant.
Genome position (GRCh38, 1-based): chr19:6,714,418, T>C on the plus strand (A>G on the coding strand, the complement: C3 is on the minus strand). VCF-style: chr19-6714418-T-C. GRCh37 (hg19) VCF-style: chr19-6714429-T-C.
Other names: short protein forms D178G.
Identifiers: ClinVar variation 1904531 (VCV001904531.7), dbSNP rs751671562, ClinGen allele CA9129780.